The following is an entry in ClinVar:

NM_018136.5(ASPM):c.6686G>C (p.Arg2229Thr)

Gene: ASPM (assembly factor for spindle microtubules; minus strand). Cytogenetic location: 1q31.3.
Variant type: single nucleotide variant.
Coding change: c.6686G>C on transcript NM_018136.5 (MANE Select); coding-DNA position 6686, G replaced by C.
Protein change: p.Arg2229Thr; replaces arginine 2229 with threonine.
Molecular consequence: missense variant. On other transcripts: intron variant (1).
Genome position (GRCh38, 1-based): chr1:197,102,565, C>G on the plus strand (G>C on the coding strand, the complement: ASPM is on the minus strand). VCF-style: chr1-197102565-C-G. GRCh37 (hg19) VCF-style: chr1-197071695-C-G.
Other names: c.4066-6401G>C (NM_001206846.2); short protein forms R2229T.
Identifiers: ClinVar variation 391778 (VCV000391778.2), dbSNP rs745714332, ClinGen allele CA1309545.

ClinVar aggregate classification (germline): Uncertain significance (1 of 4 stars; one submission).

Allele frequency attached by ClinVar (database versions not stated): ExAC 0.00001; gnomAD 0.00001; gnomAD exomes 0.00001 and 0.00002; TOPMed 0.00001.
gnomAD v4.1: 7 of 1,611,946 alleles (0.00043%); highest among the groups gnomAD compares: Admixed American, 0.0033%; no homozygotes.

Submission:

GeneDx
Classification: Uncertain significance. Last evaluated: 2016-12-16. Review status: criteria provided, single submitter. Criteria: GeneDx Variant Classification (06012015). Collection method: clinical testing. Allele origin: germline. Affected: yes.
Comment: A variant of uncertain significance has been identified in the ASPM gene. The R2229T variant has not been published as a pathogenic variant, nor has it been reported as a benign variant to our knowledge. The R2229T variant is not observed at a significant frequency in large population cohorts (Lek et al., 2016; 1000 Genomes Consortium et al., 2015; Exome Variant Server). The R2229T variant is a semi-conservative amino acid substitution, which may impact secondary protein structure as these residues differ in some properties. However, this substitution occurs at a position that is not conserved. In silico analysis is inconsistent in its predictions as to whether or not the variant is damaging to the protein structure/function. Therefore, based on the currently available information, it is unclear whether this variant is a pathogenic variant or a rare benign variant.